The following is an entry in ClinVar:

ClinVar aggregate classification (germline): Likely pathogenic (1 of 4 stars; one submission).

Conditions:
Very long chain acyl-CoA dehydrogenase deficiency (ACADVLD). Also called: Very Long-Chain Acyl-Coenzyme A Dehydrogenase Deficiency; VLCAD Deficiency. Identifiers: Orphanet 26793, MedGen C3887523, MONDO:0008723, OMIM 201475.

Submission:

Labcorp Genetics (formerly Invitae), Labcorp
Classification: Likely pathogenic for Very long chain acyl-CoA dehydrogenase deficiency. Last evaluated: 2023-05-09. Review status: criteria provided, single submitter. Criteria: Invitae Variant Classification Sherloc (09022015). Collection method: clinical testing. Allele origin: germline.
Comment: This variant is not present in population databases (gnomAD no frequency). This sequence change replaces threonine, which is neutral and polar, with arginine, which is basic and polar, at codon 280 of the ACADVL protein (p.Thr280Arg). This variant has not been reported in the literature in individuals affected with ACADVL-related conditions. In summary, the currently available evidence indicates that the variant is pathogenic, but additional data are needed to prove that conclusively. Therefore, this variant has been classified as Likely Pathogenic. This variant disrupts the p.Thr280 amino acid residue in ACADVL. Other variant(s) that disrupt this residue have been determined to be pathogenic (PMID: 31737040; Invitae). This suggests that this residue is clinically significant, and that variants that disrupt this residue are likely to be disease-causing. Advanced modeling of protein sequence and biophysical properties (such as structural, functional, and spatial information, amino acid conservation, physicochemical variation, residue mobility, and thermodynamic stability) performed at Invitae indicates that this missense variant is expected to disrupt ACADVL protein function.

Literature cited by the submitters: PubMed 31737040.

NM_000018.4(ACADVL):c.839C>G (p.Thr280Arg)

Gene: ACADVL (acyl-CoA dehydrogenase very long chain; plus strand). Cytogenetic location: 17p13.1.
Variant type: single nucleotide variant.
Coding change: c.839C>G on transcript NM_000018.4 (MANE Select); coding-DNA position 839, C replaced by G.
Protein change: p.Thr280Arg; replaces threonine 280 with arginine.
Molecular consequence: missense variant.
Genome position (GRCh38, 1-based): chr17:7,222,263, C>G. VCF-style: chr17-7222263-C-G. GRCh37 (hg19) VCF-style: chr17-7125582-C-G.
Other names: c.773C>G, p.Thr258Arg (NM_001033859.3); c.908C>G, p.Thr303Arg (NM_001270447.2); c.611C>G, p.Thr204Arg (NM_001270448.2); short protein forms T258R, T280R, T303R, T204R.
Identifiers: ClinVar variation 2862782 (VCV002862782.3), dbSNP rs2142978093, ClinGen allele CA397723797.